The following is an entry in ClinVar:

NM_014252.4(SLC25A15):c.847C>T (p.Leu283Phe)

Gene: SLC25A15 (solute carrier family 25 member 15; plus strand). Cytogenetic location: 13q14.11.
Variant type: single nucleotide variant.
Coding change: c.847C>T on transcript NM_014252.4 (MANE Select); coding-DNA position 847, C replaced by T.
Protein change: p.Leu283Phe; replaces leucine 283 with phenylalanine.
Molecular consequence: missense variant.
Genome position (GRCh38, 1-based): chr13:40,809,608, C>T. VCF-style: chr13-40809608-C-T. GRCh37 (hg19) VCF-style: chr13-41383744-C-T.
Other names: short protein forms L283F.
Identifiers: ClinVar variation 38404 (VCV000038404.4), dbSNP rs202247809, ClinGen allele CA343048.

ClinVar aggregate classification (germline): Uncertain significance. Review status: criteria provided, single submitter (1 of 4 stars). 2 submissions from 2 submitters: Uncertain significance (1). 1 of the submissions does not count toward it. Last evaluated 2024-08-19.

Conditions:
Hyperornithinemia-hyperammonemia-homocitrullinuria syndrome (HHHS). Also called: Ornithine translocase deficiency; HHH SYNDROME. Identifiers: Orphanet 415, MedGen C0268540, MONDO:0009393, OMIM 238970.

Allele frequency attached by ClinVar (database versions not stated): gnomAD exomes below 0.00001; ExAC 0.00001.

Submissions (2):

Women's Health and Genetics/Laboratory Corporation of America, LabCorp
Classification: Uncertain significance. Last evaluated: 2024-08-19. Review status: criteria provided, single submitter. Criteria: LabCorp Variant Classification Summary - May 2015. Collection method: clinical testing. Allele origin: germline.
Comment: Variant summary: SLC25A15 c.847C>T (p.Leu283Phe) results in a non-conservative amino acid change in the encoded protein sequence. Four of five in-silico tools predict a damaging effect of the variant on protein function. The variant allele was found at a frequency of 4e-06 in 251182 control chromosomes. c.847C>T has been reported in the literature in at least one compound heterozygous individual affected with Hyperornithinemia-Hyperammonemia-Homocitrullinuria Syndrome (e.g., Tessa_2009). These data do not allow any conclusion about variant significance. At least one publication reports experimental evidence evaluating an impact on protein function. The most pronounced variant effect results in 4%-19% of normal activity (Tessa_2009). The following publication has been ascertained in the context of this evaluation (PMID: 19242930). ClinVar contains an entry for this variant (Variation ID: 38404). Based on the evidence outlined above, the variant was classified as VUS-possibly pathogenic.

GeneReviews
No classification provided. Condition: Hyperornithinemia-hyperammonemia-homocitrullinuria syndrome. Review status: no classification provided. Collection method: literature only. Allele origin: unknown. Not counted in ClinVar's aggregate classification.

Literature cited by the submitters: PubMed 19242930 (cited by Women's Health and Genetics/Laboratory Corporation of America, LabCorp); PubMed 22649802 (cited by GeneReviews); NCBI Bookshelf NBK97260 (cited by GeneReviews).